The following is an entry in ClinVar:

NM_001160148.2(DDHD1):c.368C>T (p.Pro123Leu)

Gene: DDHD1 (DDHD domain containing 1; minus strand). Cytogenetic location: 14q22.1.
Variant type: single nucleotide variant.
Coding change: c.368C>T on transcript NM_001160148.2 (MANE Select); coding-DNA position 368, C replaced by T.
Protein change: p.Pro123Leu; replaces proline 123 with leucine.
Molecular consequence: missense variant.
Genome position (GRCh38, 1-based): chr14:53,152,731, G>A on the plus strand (C>T on the coding strand, the complement: DDHD1 is on the minus strand). VCF-style: chr14-53152731-G-A. GRCh37 (hg19) VCF-style: chr14-53619449-G-A.
Other names: c.368C>T, p.Pro123Leu (NM_001160147.2, NM_030637.3); short protein forms P123L.
Identifiers: ClinVar variation 2199269 (VCV002199269.4), dbSNP rs1891530318, ClinGen allele CA389781002.

ClinVar aggregate classification (germline): Uncertain significance (1 of 4 stars; one submission).

Conditions:
Hereditary spastic paraplegia 28. Also called: Spastic paraplegia 28, autosomal recessive. Identifiers: Orphanet 101008, MedGen C1836295, MONDO:0012256, OMIM 609340.

Allele frequency attached by ClinVar (database versions not stated): TOPMed below 0.00001; gnomAD 0.00001; gnomAD exomes 0.00001.
gnomAD v4.1: 21 of 1,599,180 alleles (0.0013%); highest among the groups gnomAD compares: Non-Finnish European, 0.0016%; no homozygotes.

Submission:

Labcorp Genetics (formerly Invitae), Labcorp
Classification: Uncertain significance for Hereditary spastic paraplegia 28. Last evaluated: 2022-08-23. Review status: criteria provided, single submitter. Criteria: Invitae Variant Classification Sherloc (09022015). Collection method: clinical testing. Allele origin: germline.
Comment: In summary, the available evidence is currently insufficient to determine the role of this variant in disease. Therefore, it has been classified as a Variant of Uncertain Significance. Algorithms developed to predict the effect of missense changes on protein structure and function (SIFT, PolyPhen-2, Align-GVGD) all suggest that this variant is likely to be tolerated. This sequence change replaces proline, which is neutral and non-polar, with leucine, which is neutral and non-polar, at codon 123 of the DDHD1 protein (p.Pro123Leu). This variant is not present in population databases (gnomAD no frequency). This variant has not been reported in the literature in individuals affected with DDHD1-related conditions.